The following is an entry in ClinVar:

NM_007254.4(PNKP):c.1449-19C>A

Gene: PNKP (polynucleotide kinase 3'-phosphatase; minus strand). Cytogenetic location: 19q13.33.
Variant type: single nucleotide variant.
Coding change: c.1449-19C>A on transcript NM_007254.4 (MANE Select); 19 bases into the intron before coding-DNA position 1449, C replaced by A.
Molecular consequence: intron variant.
Genome position (GRCh38, 1-based): chr19:49,861,384, G>T on the plus strand (C>A on the coding strand, the complement: PNKP is on the minus strand). VCF-style: chr19-49861384-G-T. GRCh37 (hg19) VCF-style: chr19-50364641-G-T.
Identifiers: ClinVar variation 206377 (VCV000206377.9), dbSNP rs772322533, ClinGen allele CA316438.

ClinVar aggregate classification (germline): Benign/Likely benign. Review status: criteria provided, multiple submitters, no conflicts (2 of 4 stars). 2 submissions from 2 submitters: Benign (1); Likely benign (1). Last evaluated 2025-12-11.

Conditions:
Developmental and epileptic encephalopathy, 12 (DEE12). Identifiers: MedGen C3150988, MONDO:0013389, OMIM 613722.

Allele frequency attached by ClinVar (database versions not stated): gnomAD 0.00004; TOPMed 0.00008; gnomAD exomes 0.00014; ExAC 0.00016.
gnomAD v4.1: 78 of 1,613,806 alleles (0.0048%); highest among the groups gnomAD compares: Admixed American, 0.052%; no homozygotes.

Submissions (2):

Labcorp Genetics (formerly Invitae), Labcorp
Classification: Likely benign for Developmental and epileptic encephalopathy, 12. Last evaluated: 2025-12-11. Review status: criteria provided, single submitter. Criteria: Invitae Variant Classification Sherloc (09022015). Collection method: clinical testing. Allele origin: germline.

GeneDx
Classification: Benign. Last evaluated: 2014-11-24. Review status: criteria provided, single submitter. Criteria: GeneDx Variant Classification (06012015). Collection method: clinical testing. Allele origin: germline. Affected: yes.
Comment: This variant is considered likely benign or benign based on one or more of the following criteria: it is a conservative change, it occurs at a poorly conserved position in the protein, it is predicted to be benign by multiple in silico algorithms, and/or has population frequency not consistent with disease.